The following is an entry in ClinVar:

NM_032638.5(GATA2):c.47T>G (p.Val16Gly)

Gene: GATA2 (GATA binding protein 2; minus strand). Cytogenetic location: 3q21.3.
Variant type: single nucleotide variant.
Coding change: c.47T>G on transcript NM_032638.5 (MANE Select); coding-DNA position 47, T replaced by G.
Protein change: p.Val16Gly; replaces valine 16 with glycine.
Molecular consequence: missense variant.
Genome position (GRCh38, 1-based): chr3:128,486,985, A>C on the plus strand (T>G on the coding strand, the complement: GATA2 is on the minus strand). VCF-style: chr3-128486985-A-C. GRCh37 (hg19) VCF-style: chr3-128205828-A-C.
Other names: c.47T>G, p.Val16Gly (NM_001145661.2, NM_001145662.1); short protein forms V16G.
Identifiers: ClinVar variation 2132975 (VCV002132975.4), dbSNP rs2472935059, ClinGen allele CA354409157.

ClinVar aggregate classification (germline): Uncertain significance (1 of 4 stars; one submission).

Conditions:
Deafness-lymphedema-leukemia syndrome. Also called: Lymphedema, primary, with myelodysplasia; Emberger syndrome. Identifiers: Orphanet 3226, MedGen C3279664, MONDO:0013540, OMIM 614038.
Monocytopenia with susceptibility to infections. Also called: MONOCYTOPENIA AND MYCOBACTERIAL INFECTION SYNDROME; MONOCYTOPENIA WITH SUSCEPTIBILITY TO MYCOBACTERIAL, FUNGAL, AND PAPILLOMAVIRUS INFECTIONS AND MYELODYSPLASIA; COMBINED IMMUNODEFICIENCY WITH SUSCEPTIBILITY TO MYCOBACTERIAL, VIRAL, AND FUNGAL INFECTIONS; Dendritic cell, monocyte, B lymphocyte, and natural killer lymphocyte deficiency; IMMUNODEFICIENCY 21; GATA2 DEFICIENCY. Identifiers: Orphanet 228423, MedGen C3280030, MONDO:0013607, OMIM 614172.

Submission:

Labcorp Genetics (formerly Invitae), Labcorp
Classification: Uncertain significance for Monocytopenia with susceptibility to infections; Deafness-lymphedema-leukemia syndrome. Last evaluated: 2022-05-02. Review status: criteria provided, single submitter. Criteria: Invitae Variant Classification Sherloc (09022015). Collection method: clinical testing. Allele origin: germline.
Comment: Algorithms developed to predict the effect of missense changes on protein structure and function are either unavailable or do not agree on the potential impact of this missense change (SIFT: "Deleterious"; PolyPhen-2: "Probably Damaging"; Align-GVGD: "Class C0"). In summary, the available evidence is currently insufficient to determine the role of this variant in disease. Therefore, it has been classified as a Variant of Uncertain Significance. This variant has not been reported in the literature in individuals affected with GATA2-related conditions. This variant is not present in population databases (gnomAD no frequency). This sequence change replaces valine, which is neutral and non-polar, with glycine, which is neutral and non-polar, at codon 16 of the GATA2 protein (p.Val16Gly).